The following is an entry in ClinVar:

ClinVar aggregate classification (germline): Uncertain significance (1 of 4 stars; one submission).

Conditions:
Chédiak-Higashi syndrome (CHS). Also called: Chediak-Higashi Syndrome. Identifiers: Orphanet 167, MedGen C0007965, MONDO:0008963, OMIM 214500.

Allele frequency attached by ClinVar (database versions not stated): TOPMed below 0.00001.
gnomAD v4.1: 5 of 1,609,236 alleles (0.00031%); highest among the groups gnomAD compares: East Asian, 0.011%; no homozygotes.

Submission:

Labcorp Genetics (formerly Invitae), Labcorp
Classification: Uncertain significance for Chédiak-Higashi syndrome. Last evaluated: 2022-08-09. Review status: criteria provided, single submitter. Criteria: Invitae Variant Classification Sherloc (09022015). Collection method: clinical testing. Allele origin: germline.
Comment: This sequence change replaces glutamic acid, which is acidic and polar, with glutamine, which is neutral and polar, at codon 1244 of the LYST protein (p.Glu1244Gln). This variant is not present in population databases (gnomAD no frequency). This variant has not been reported in the literature in individuals affected with LYST-related conditions. ClinVar contains an entry for this variant (Variation ID: 1429198). Algorithms developed to predict the effect of missense changes on protein structure and function (SIFT, PolyPhen-2, Align-GVGD) all suggest that this variant is likely to be tolerated. In summary, the available evidence is currently insufficient to determine the role of this variant in disease. Therefore, it has been classified as a Variant of Uncertain Significance.

NM_000081.4(LYST):c.3730G>C (p.Glu1244Gln)

Gene: LYST (lysosomal trafficking regulator; minus strand). Cytogenetic location: 1q42.3.
Variant type: single nucleotide variant.
Coding change: c.3730G>C on transcript NM_000081.4 (MANE Select); coding-DNA position 3730, G replaced by C.
Protein change: p.Glu1244Gln; replaces glutamic acid 1244 with glutamine.
Molecular consequence: missense variant.
Genome position (GRCh38, 1-based): chr1:235,801,080, C>G on the plus strand (G>C on the coding strand, the complement: LYST is on the minus strand). VCF-style: chr1-235801080-C-G. GRCh37 (hg19) VCF-style: chr1-235964380-C-G.
Other names: c.3730G>C, p.Glu1244Gln (NM_001301365.1); short protein forms E1244Q.
Identifiers: ClinVar variation 1429198 (VCV001429198.3), dbSNP rs777087362, ClinGen allele CA344944683.